The following is an entry in ClinVar:

NM_021830.5(TWNK):c.878C>T (p.Ala293Val)

Gene: TWNK (twinkle mtDNA helicase; plus strand). Cytogenetic location: 10q24.31.
Variant type: single nucleotide variant.
Coding change: c.878C>T on transcript NM_021830.5 (MANE Select); coding-DNA position 878, C replaced by T.
Protein change: p.Ala293Val; replaces alanine 293 with valine.
Molecular consequence: missense variant. On other transcripts: non-coding transcript variant (4), intron variant (3).
Genome position (GRCh38, 1-based): chr10:100,989,088, C>T. VCF-style: chr10-100989088-C-T. GRCh37 (hg19) VCF-style: chr10-102748845-C-T.
Other names: c.-119-556C>T (NM_001163814.2, NM_001163813.2); c.-57-618C>T (NM_001368275.1); c.878C>T, p.Ala293Val (NM_001163812.2); short protein forms A293V.
Identifiers: ClinVar variation 1462428 (VCV001462428.6), dbSNP rs1564808387, ClinGen allele CA378208752.

ClinVar aggregate classification (germline): Uncertain significance (1 of 4 stars; one submission).

Submission:

Labcorp Genetics (formerly Invitae), Labcorp
Classification: Uncertain significance. Last evaluated: 2023-08-30. Review status: criteria provided, single submitter. Criteria: Invitae Variant Classification Sherloc (09022015). Collection method: clinical testing. Allele origin: germline.
Comment: Advanced modeling of protein sequence and biophysical properties (such as structural, functional, and spatial information, amino acid conservation, physicochemical variation, residue mobility, and thermodynamic stability) performed at Invitae indicates that this missense variant is not expected to disrupt TWNK protein function. This sequence change replaces alanine, which is neutral and non-polar, with valine, which is neutral and non-polar, at codon 293 of the TWNK protein (p.Ala293Val). This variant is not present in population databases (gnomAD no frequency). This variant has not been reported in the literature in individuals affected with TWNK-related conditions. ClinVar contains an entry for this variant (Variation ID: 1462428). In summary, the available evidence is currently insufficient to determine the role of this variant in disease. Therefore, it has been classified as a Variant of Uncertain Significance.